The following is an entry in ClinVar:

NM_001363711.2(DUOX2):c.199G>A (p.Asp67Asn)

Gene: DUOX2 (dual oxidase 2; minus strand). Cytogenetic location: 15q21.1.
Variant type: single nucleotide variant.
Coding change: c.199G>A on transcript NM_001363711.2 (MANE Select); coding-DNA position 199, G replaced by A.
Protein change: p.Asp67Asn; replaces aspartic acid 67 with asparagine.
Molecular consequence: missense variant.
Genome position (GRCh38, 1-based): chr15:45,112,680, C>T on the plus strand (G>A on the coding strand, the complement: DUOX2 is on the minus strand). VCF-style: chr15-45112680-C-T. GRCh37 (hg19) VCF-style: chr15-45404878-C-T.
Other names: c.199G>A, p.Asp67Asn (NM_014080.5); short protein forms D67N.
Identifiers: ClinVar variation 633196 (VCV000633196.1), dbSNP rs1255757517, ClinGen allele CA392279829.

ClinVar aggregate classification (germline): Uncertain significance (1 of 4 stars; one submission).

gnomAD v4.1: 2 of 1,612,732 alleles (0.00012%); highest among the groups gnomAD compares: Non-Finnish European, 0.000085%; no homozygotes.

Submission:

Women's Health and Genetics/Laboratory Corporation of America, LabCorp
Classification: Uncertain significance. Last evaluated: 2018-06-15. Review status: criteria provided, single submitter. Criteria: LabCorp Variant Classification Summary - May 2015. Collection method: clinical testing. Allele origin: germline.
Comment: Variant summary: DUOX2 c.199G>A (p.Asp67Asn) results in a conservative amino acid change located in the Dual oxidase, peroxidase domain of the encoded protein sequence. Three of five in-silico tools predict a benign effect of the variant on protein function. The variant was absent in 242900 control chromosomes (gnomAD). The available data on variant occurrences in the general population are insufficient to allow any conclusion about variant significance. To our knowledge, no occurrence of c.199G>A in individuals affected with Thyroid dyshormonogenesis 6 and no experimental evidence demonstrating its impact on protein function have been reported. No clinical diagnostic laboratories have submitted clinical-significance assessments for this variant to ClinVar after 2014. Based on the evidence outlined above, the variant was classified as uncertain significance.